The following is an entry in ClinVar:

ClinVar aggregate classification (germline): Uncertain significance (1 of 4 stars; one submission).

Conditions:
Cholestanol storage disease (CTX). Also called: CEREBRAL CHOLESTERINOSIS; Cerebrotendinous Xanthomatosis; CTX: Cerebrotendinous xanthomatosis. Identifiers: Orphanet 909, MedGen C0238052, MONDO:0008948, OMIM 213700.

Allele frequency attached by ClinVar (database versions not stated): TOPMed below 0.00001.

Submission:

Labcorp Genetics (formerly Invitae), Labcorp
Classification: Uncertain significance for Cholestanol storage disease. Last evaluated: 2022-07-01. Review status: criteria provided, single submitter. Criteria: Invitae Variant Classification Sherloc (09022015). Collection method: clinical testing. Allele origin: germline.
Comment: In summary, the available evidence is currently insufficient to determine the role of this variant in disease. Therefore, it has been classified as a Variant of Uncertain Significance. Advanced modeling of protein sequence and biophysical properties (such as structural, functional, and spatial information, amino acid conservation, physicochemical variation, residue mobility, and thermodynamic stability) performed at Invitae indicates that this missense variant is not expected to disrupt CYP27A1 protein function. This variant has not been reported in the literature in individuals affected with CYP27A1-related conditions. This variant is not present in population databases (gnomAD no frequency). This sequence change replaces arginine, which is basic and polar, with lysine, which is basic and polar, at codon 10 of the CYP27A1 protein (p.Arg10Lys).

NM_000784.4(CYP27A1):c.29G>A (p.Arg10Lys)

Gene: CYP27A1 (cytochrome P450 family 27 subfamily A member 1; plus strand). Cytogenetic location: 2q35.
Variant type: single nucleotide variant.
Coding change: c.29G>A on transcript NM_000784.4 (MANE Select); coding-DNA position 29, G replaced by A.
Protein change: p.Arg10Lys; replaces arginine 10 with lysine.
Molecular consequence: missense variant.
Genome position (GRCh38, 1-based): chr2:218,782,211, G>A. VCF-style: chr2-218782211-G-A. GRCh37 (hg19) VCF-style: chr2-219646934-G-A.
Other names: short protein forms R10K.
Identifiers: ClinVar variation 1951516 (VCV001951516.5), dbSNP rs1943397146, ClinGen allele CA350575401.